The following is an entry in ClinVar:

NM_000219.6(KCNE1):c.383C>G (p.Ser128Cys)

Gene: KCNE1 (potassium voltage-gated channel subfamily E regulatory subunit 1; minus strand). Cytogenetic location: 21q22.12.
Variant type: single nucleotide variant.
Coding change: c.383C>G on transcript NM_000219.6 (MANE Select); coding-DNA position 383, C replaced by G.
Protein change: p.Ser128Cys; replaces serine 128 with cysteine.
Molecular consequence: missense variant.
Genome position (GRCh38, 1-based): chr21:34,449,252, G>C on the plus strand (C>G on the coding strand, the complement: KCNE1 is on the minus strand). VCF-style: chr21-34449252-G-C. GRCh37 (hg19) VCF-style: chr21-35821550-G-C.
Other names: c.383C>G, p.Ser128Cys (NM_001127668.4, NM_001127669.4, NM_001127670.4 and 4 more transcripts); short protein forms S128C.
Identifiers: ClinVar variation 3373876 (VCV003373876.2).
Genomic context (GRCh38, chr21:34,449,252, plus strand): 5'-TAGAAAATCAGGTTGCCAGGCAGGATGTGTCCAGTTTTAGCCAGTGGTGGGGTTCATGGG[G>C]AAGGCTTCGTCTCAGGAAGGTGTGTGTTGGGTTGTTCTATGGCCAGATGGTTTTCAACGA-3'
Protein context (NP_000210.2, residues 118-129): PNTHLPETKP[Ser128Cys]P

Conditions:
Long QT syndrome 5 (LQT5). Identifiers: Orphanet 101016, Orphanet 768, MedGen C1867904, MONDO:0013372, OMIM 613695.

Submission:

Roden Lab, Vanderbilt University Medical Center
No classification provided (evidence only). Condition: Long QT syndrome 5. Review status: no classification provided. Collection method: in vitro. Allele origin: not applicable. Functional consequence: Effect on ion channel function.
ClinVar note: "not provided" was previously submitted as the classification for the variant. However, the classification appeared to be based only on an observation of functional data so it was converted to no classification on 2025-07-30.